The following is an entry in ClinVar:

NM_182914.3(SYNE2):c.5276C>G (p.Thr1759Ser)

Gene: SYNE2 (spectrin repeat containing nuclear envelope protein 2; plus strand). Cytogenetic location: 14q23.2.
Variant type: single nucleotide variant.
Coding change: c.5276C>G on transcript NM_182914.3 (MANE Select); coding-DNA position 5276, C replaced by G.
Protein change: p.Thr1759Ser; replaces threonine 1759 with serine.
Molecular consequence: missense variant.
Genome position (GRCh38, 1-based): chr14:64,021,439, C>G. VCF-style: chr14-64021439-C-G. GRCh37 (hg19) VCF-style: chr14-64488157-C-G.
Other names: c.5276C>G, p.Thr1759Ser (NM_015180.6); short protein forms T1759S.
Identifiers: ClinVar variation 2738182 (VCV002738182.3), dbSNP rs762871282, ClinGen allele CA7220431.

ClinVar aggregate classification (germline): Uncertain significance (1 of 4 stars; one submission).

Conditions:
Emery-Dreifuss muscular dystrophy 5, autosomal dominant (EDMD5). Also called: EMERY-DREIFUSS MUSCULAR DYSTROPHY 5. Identifiers: Orphanet 261, MedGen C2751805, MONDO:0013072, OMIM 612999.

Allele frequency attached by ClinVar (database versions not stated): gnomAD exomes below 0.00001; ExAC 0.00001; TOPMed 0.00001; gnomAD 0.00002.
gnomAD v4.1: 5 of 1,614,156 alleles (0.00031%); highest among the groups gnomAD compares: Middle Eastern, 0.017%; no homozygotes.

Submission:

Labcorp Genetics (formerly Invitae), Labcorp
Classification: Uncertain significance for Emery-Dreifuss muscular dystrophy 5, autosomal dominant. Last evaluated: 2023-10-03. Review status: criteria provided, single submitter. Criteria: Invitae Variant Classification Sherloc (09022015). Collection method: clinical testing. Allele origin: germline.
Comment: This sequence change replaces threonine, which is neutral and polar, with serine, which is neutral and polar, at codon 1759 of the SYNE2 protein (p.Thr1759Ser). This variant is present in population databases (rs762871282, gnomAD 0.01%). This variant has not been reported in the literature in individuals affected with SYNE2-related conditions. An algorithm developed to predict the effect of missense changes on protein structure and function (PolyPhen-2) suggests that this variant is likely to be disruptive. In summary, the available evidence is currently insufficient to determine the role of this variant in disease. Therefore, it has been classified as a Variant of Uncertain Significance.